The following is an entry in ClinVar:

NM_003242.6(TGFBR2):c.1327A>G (p.Lys443Glu)

Gene: TGFBR2 (transforming growth factor beta receptor 2; plus strand). Cytogenetic location: 3p24.1.
Variant type: single nucleotide variant.
Coding change: c.1327A>G on transcript NM_003242.6 (MANE Select); coding-DNA position 1327, A replaced by G.
Protein change: p.Lys443Glu; replaces lysine 443 with glutamic acid.
Molecular consequence: missense variant.
Genome position (GRCh38, 1-based): chr3:30,674,177, A>G. VCF-style: chr3-30674177-A-G. GRCh37 (hg19) VCF-style: chr3-30715669-A-G.
Other names: c.1402A>G, p.Lys468Glu (NM_001024847.3); c.1510A>G, p.Lys504Glu (NM_001407126.1); c.1435A>G, p.Lys479Glu (NM_001407127.1); c.1354A>G, p.Lys452Glu (NM_001407128.1); c.1330A>G, p.Lys444Glu (NM_001407129.1); c.1327A>G, p.Lys443Glu (NM_001407130.1); c.1222A>G, p.Lys408Glu (NM_001407132.1, NM_001407133.1, NM_001407134.1 and 2 more transcripts); c.1042A>G, p.Lys348Glu (NM_001407137.1); and 1 more; short protein forms K444E, K452E, K504E, K348E, K408E, K323E, K468E, K443E.
Identifiers: ClinVar variation 2105688 (VCV002105688.4), dbSNP rs2125439076, ClinGen allele CA351809026.

ClinVar aggregate classification (germline): Uncertain significance (1 of 4 stars; one submission).

Conditions:
Familial thoracic aortic aneurysm and aortic dissection (TAAD). Also called: Thoracic aortic aneurysms and dissections. Identifiers: Orphanet 91387, MedGen C4707243, MONDO:0019625.

Submission:

Labcorp Genetics (formerly Invitae), Labcorp
Classification: Uncertain significance for Familial thoracic aortic aneurysm and aortic dissection. Last evaluated: 2025-07-13. Review status: criteria provided, single submitter. Criteria: Invitae Variant Classification Sherloc (09022015). Collection method: clinical testing. Allele origin: germline.
Comment: This sequence change replaces lysine, which is basic and polar, with glutamic acid, which is acidic and polar, at codon 443 of the TGFBR2 protein (p.Lys443Glu). This variant is not present in population databases (gnomAD no frequency). This variant has not been reported in the literature in individuals affected with TGFBR2-related conditions. ClinVar contains an entry for this variant (Variation ID: 2105688). Invitae Evidence Modeling of protein sequence and biophysical properties (such as structural, functional, and spatial information, amino acid conservation, physicochemical variation, residue mobility, and thermodynamic stability) indicates that this missense variant is expected to disrupt TGFBR2 protein function with a positive predictive value of 95%. In summary, the available evidence is currently insufficient to determine the role of this variant in disease. Therefore, it has been classified as a Variant of Uncertain Significance.